The following is an entry in ClinVar:

NM_000321.3(RB1):c.316G>T (p.Ala106Ser)

Gene: RB1 (RB transcriptional corepressor 1; plus strand). Cytogenetic location: 13q14.2.
Variant type: single nucleotide variant.
Coding change: c.316G>T on transcript NM_000321.3 (MANE Select); coding-DNA position 316, G replaced by T.
Protein change: p.Ala106Ser; replaces alanine 106 with serine.
Molecular consequence: missense variant.
Genome position (GRCh38, 1-based): chr13:48,342,650, G>T. VCF-style: chr13-48342650-G-T. GRCh37 (hg19) VCF-style: chr13-48916786-G-T.
Other names: short protein forms A106S.
Identifiers: ClinVar variation 823060 (VCV000823060.15), dbSNP rs1210328667, ClinGen allele CA388252427.

ClinVar aggregate classification (germline): Uncertain significance. Review status: criteria provided, multiple submitters, no conflicts (2 of 4 stars). 2 submissions from 2 submitters: Uncertain significance (2). Last evaluated 2025-12-11.

Conditions:
Hereditary cancer-predisposing syndrome. Also called: Tumor predisposition; Hereditary Cancer Syndrome; Neoplastic Syndromes, Hereditary; Hereditary neoplastic syndrome. Identifiers: Orphanet 140162, MedGen C0027672, MeSH D009386, MONDO:0015356.
Retinoblastoma (RB1). Also called: RETINOBLASTOMA, SOMATIC. Identifiers: Orphanet 790, MedGen C0035335, MeSH D012175, MONDO:0008380, OMIM 180200, HP:0009919. Disease mechanism: loss of function. Inheritance: Both sporadic and heritable forms are tested..

Allele frequency attached by ClinVar (database versions not stated): TOPMed below 0.00001; gnomAD 0.00002.
gnomAD v4.1: 3 of 1,612,698 alleles (0.00019%); highest among the groups gnomAD compares: African/African-American, 0.004%; no homozygotes.

Submissions (2):

Ambry Genetics
Classification: Uncertain significance for Hereditary cancer-predisposing syndrome. Last evaluated: 2025-12-11. Review status: criteria provided, single submitter. Criteria: Ambry Variant Classification Scheme 2023. Collection method: clinical testing. Allele origin: germline.
Comment: The p.A106S variant (also known as c.316G>T), located in coding exon 3 of the RB1 gene, results from a G to T substitution at nucleotide position 316. The alanine at codon 106 is replaced by serine, an amino acid with similar properties. This amino acid position is highly conserved in available vertebrate species. In addition, the in silico prediction for this alteration is inconclusive. Based on the available evidence, the clinical significance of this variant remains unclear.

Labcorp Genetics (formerly Invitae), Labcorp
Classification: Uncertain significance for Retinoblastoma. Last evaluated: 2022-11-23. Review status: criteria provided, single submitter. Criteria: Invitae Variant Classification Sherloc (09022015). Collection method: clinical testing. Allele origin: germline.
Comment: This sequence change replaces alanine, which is neutral and non-polar, with serine, which is neutral and polar, at codon 106 of the RB1 protein (p.Ala106Ser). This variant is not present in population databases (gnomAD no frequency). In summary, the available evidence is currently insufficient to determine the role of this variant in disease. Therefore, it has been classified as a Variant of Uncertain Significance. Advanced modeling of protein sequence and biophysical properties (such as structural, functional, and spatial information, amino acid conservation, physicochemical variation, residue mobility, and thermodynamic stability) performed at Invitae indicates that this missense variant is not expected to disrupt RB1 protein function. ClinVar contains an entry for this variant (Variation ID: 823060). This variant has not been reported in the literature in individuals affected with RB1-related conditions.